The following is an entry in ClinVar:

ClinVar aggregate classification (germline): Uncertain significance (1 of 4 stars; one submission).

Conditions:
Mucopolysaccharidosis, MPS-III-A (MPS3A). Also called: HEPARAN SULFATE SULFATASE DEFICIENCY; SANFILIPPO SYNDROME A; SULFAMIDASE DEFICIENCY; MPS III A; Mucopolysaccharidosis, type IIIA; MUCOPOLYSACCHARIDOSIS, TYPE IIIA, ATTENUATED. Identifiers: Orphanet 581, Orphanet 79269, MedGen C0086647, MONDO:0009655, OMIM 252900.

Allele frequency attached by ClinVar (database versions not stated): gnomAD exomes below 0.00001; gnomAD 0.00001.
gnomAD v4.1: 3 of 1,612,822 alleles (0.00019%); highest among the groups gnomAD compares: Non-Finnish European, 0.00025%; no homozygotes.

Submission:

Labcorp Genetics (formerly Invitae), Labcorp
Classification: Uncertain significance for Mucopolysaccharidosis, MPS-III-A. Last evaluated: 2022-03-15. Review status: criteria provided, single submitter. Criteria: Invitae Variant Classification Sherloc (09022015). Collection method: clinical testing. Allele origin: germline.
Comment: This sequence change replaces threonine, which is neutral and polar, with isoleucine, which is neutral and non-polar, at codon 130 of the SGSH protein (p.Thr130Ile). This variant is present in population databases (no rsID available, gnomAD 0.0009%). This variant has not been reported in the literature in individuals affected with SGSH-related conditions. Algorithms developed to predict the effect of missense changes on protein structure and function (SIFT, PolyPhen-2, Align-GVGD) all suggest that this variant is likely to be tolerated. In summary, the available evidence is currently insufficient to determine the role of this variant in disease. Therefore, it has been classified as a Variant of Uncertain Significance.

NM_000199.5(SGSH):c.389C>T (p.Thr130Ile)

Gene: SGSH (N-sulfoglucosamine sulfohydrolase; minus strand). Cytogenetic location: 17q25.3.
Variant type: single nucleotide variant.
Coding change: c.389C>T on transcript NM_000199.5 (MANE Select); coding-DNA position 389, C replaced by T.
Protein change: p.Thr130Ile; replaces threonine 130 with isoleucine.
Molecular consequence: missense variant. On other transcripts: non-coding transcript variant (1).
Genome position (GRCh38, 1-based): chr17:80,214,732, G>A on the plus strand (C>T on the coding strand, the complement: SGSH is on the minus strand). VCF-style: chr17-80214732-G-A. GRCh37 (hg19) VCF-style: chr17-78188531-G-A.
Other names: c.389C>T, p.Thr130Ile (NM_001352921.3, NM_001352922.2); short protein forms T130I.
Identifiers: ClinVar variation 2168247 (VCV002168247.1), dbSNP rs1159005316, ClinGen allele CA401363126.